The following is an entry in ClinVar:

NM_004006.3(DMD):c.5704_5707del (p.Ser1902fs)

Gene: DMD (dystrophin; minus strand). Cytogenetic location: Xp21.1.
Variant type: Microsatellite.
Coding change: c.5704_5707del on transcript NM_004006.3 (MANE Select); coding-DNA positions 5704 to 5707, 4 bases deleted (AGCC; older notation c.5704_5707delAGCC).
Protein change: p.Ser1902fs; shifts the reading frame from serine 1902.
Molecular consequence: frameshift variant.
Genome position (GRCh38, 1-based): chrX:32,343,166-32,343,169, GGCT deleted on the plus strand (AGCC on the coding strand, the reverse complement: DMD is on the minus strand); deleting any 4 consecutive bases within chrX:32,343,166-32,343,173 gives the same sequence; the c. name uses the placement nearest the transcript's 3' end. VCF-style (leftmost placement, unchanged base first): chrX-32343165-AGGCT-A. GRCh37 (hg19) VCF-style: chrX-32361282-AGGCT-A.
Other names: c.5680_5683del, p.Ser1894fs (NM_000109.4); c.5692_5695del, p.Ser1898fs (NM_004009.3); c.5335_5338del, p.Ser1779fs (NM_004010.3); c.1681_1684del, p.Ser561fs (NM_004011.4); c.1672_1675del, p.Ser558fs (NM_004012.4); short protein forms S1894fs, S1898fs, S558fs, S1779fs, S561fs, S1902fs.
Identifiers: ClinVar variation 953523 (VCV000953523.13), dbSNP rs2097752909, ClinGen allele CA2422760780.

ClinVar aggregate classification (germline): Pathogenic. Review status: criteria provided, multiple submitters, no conflicts (2 of 4 stars). 3 submissions from 3 submitters: Pathogenic (3). Last evaluated 2025-08-25.

Conditions:
Duchenne muscular dystrophy (DMD). Also called: MUSCULAR DYSTROPHY, PSEUDOHYPERTROPHIC PROGRESSIVE, DUCHENNE TYPE; Duchenne Muscular Dystrophy (DMD). Identifiers: Orphanet 98896, MedGen C0013264, MONDO:0010679, OMIM 310200.

Submissions (3):

Athena Diagnostics
Classification: Pathogenic. Last evaluated: 2025-08-25. Review status: criteria provided, single submitter. Criteria: Athena Diagnostics Criteria. Collection method: clinical testing. Allele origin: unknown.
Comment: This variant is expected to result in the loss of a functional protein. This variant has not been reported in large, multi-ethnic general populations. This variant has been identified in at least one individual with clinical features associated with this gene.

Labcorp Genetics (formerly Invitae), Labcorp
Classification: Pathogenic for Duchenne muscular dystrophy. Last evaluated: 2022-09-23. Review status: criteria provided, single submitter. Criteria: Invitae Variant Classification Sherloc (09022015). Collection method: clinical testing. Allele origin: germline.
Comment: ClinVar contains an entry for this variant (Variation ID: 953523). This premature translational stop signal has been observed in individual(s) with Duchenne or Becker muscular dystrophy (PMID: 16834926). This variant is not present in population databases (gnomAD no frequency). This sequence change creates a premature translational stop signal (p.Ser1902Tyrfs*10) in the DMD gene. It is expected to result in an absent or disrupted protein product. Loss-of-function variants in DMD are known to be pathogenic (PMID: 16770791, 25007885). For these reasons, this variant has been classified as Pathogenic.

MGZ Medical Genetics Center
Classification: Pathogenic for Duchenne muscular dystrophy. Last evaluated: 2022-03-10. Review status: criteria provided, single submitter. Criteria: ACMG Guidelines, 2015. Collection method: clinical testing. Allele origin: germline. Affected: yes. Observed: 1 variant allele.
Comment: ACMG criteria applied: PVS1, PS4_SUP, PM2_SUP

Literature cited by the submitters: PubMed 16834926 (cited by Athena Diagnostics and Labcorp Genetics (formerly Invitae), Labcorp); PubMed 24265581 (cited by Athena Diagnostics); PubMed 16770791 (cited by Labcorp Genetics (formerly Invitae), Labcorp); PubMed 25007885 (cited by Labcorp Genetics (formerly Invitae), Labcorp).